The following is an entry in ClinVar:

NM_003072.5(SMARCA4):c.929G>C (p.Arg310Pro)

Gene: SMARCA4 (SWI/SNF related BAF chromatin remodeling complex subunit ATPase 4; plus strand). Cytogenetic location: 19p13.2.
Variant type: single nucleotide variant.
Coding change: c.929G>C on transcript NM_003072.5 (MANE Select); coding-DNA position 929, G replaced by C.
Protein change: p.Arg310Pro; replaces arginine 310 with proline.
Molecular consequence: missense variant. On other transcripts: non-coding transcript variant (1).
Genome position (GRCh38, 1-based): chr19:10,987,735, G>C. VCF-style: chr19-10987735-G-C. GRCh37 (hg19) VCF-style: chr19-11098411-G-C.
Other names: c.929G>C, p.Arg310Pro (NM_001128844.3, NM_001128845.2, NM_001128846.2 and 5 more transcripts); short protein forms R310P.
Identifiers: ClinVar variation 575530 (VCV000575530.8), dbSNP rs766422429, ClinGen allele CA404058477.
Genomic context (GRCh38, chr19:10,987,735, plus strand): 5'-CGAATGCTGCTGCCCCCACGAGCACCCCTCAGAAGCTGATTCCCCCGCAGCCAACGGGCC[G>C]CCCTTCCCCCGCGCCCCCTGCCGTCCCACCCGCCGCCTCGCCCGTGATGCCACCGCAGAC-3'
Protein context (NP_003063.2, residues 300-320): QKLIPPQPTG[Arg310Pro]PSPAPPAVPP

ClinVar aggregate classification (germline): Uncertain significance (1 of 4 stars; one submission).

Conditions:
Rhabdoid tumor predisposition syndrome 2 (RTPS2). Identifiers: Orphanet 231108, Orphanet 69077, MedGen C2750074, MONDO:0013224, OMIM 613325.

Submission:

Labcorp Genetics (formerly Invitae), Labcorp
Classification: Uncertain significance for Rhabdoid tumor predisposition syndrome 2. Last evaluated: 2018-03-11. Review status: criteria provided, single submitter. Criteria: Invitae Variant Classification Sherloc (09022015). Collection method: clinical testing. Allele origin: germline.
Comment: This variant has not been reported in the literature in individuals with SMARCA4-related disease. Algorithms developed to predict the effect of missense changes on protein structure and function (SIFT, PolyPhen-2, Align-GVGD) all suggest that this variant is likely to be disruptive, but these predictions have not been confirmed by published functional studies and their clinical significance is uncertain. This sequence change replaces arginine with proline at codon 310 of the SMARCA4 protein (p.Arg310Pro). The arginine residue is highly conserved and there is a moderate physicochemical difference between arginine and proline. This variant is not present in population databases (ExAC no frequency). In summary, the available evidence is currently insufficient to determine the role of this variant in disease. Therefore, it has been classified as a Variant of Uncertain Significance.